The following is an entry in ClinVar:

NM_000088.4(COL1A1):c.805-1G>A

Genes: COL1A1 (collagen type I alpha 1 chain; minus strand), LOC126862586 (CDK7 strongly-dependent group 2 enhancer GRCh37_chr17:48273702-48274901; plus strand). Cytogenetic location: 17q21.33.
Variant type: single nucleotide variant.
Coding change: c.805-1G>A on transcript NM_000088.4 (MANE Select); the canonical splice acceptor site of the intron before coding-DNA position 805, G replaced by A.
Molecular consequence: splice acceptor variant.
Genome position (GRCh38, 1-based): chr17:50,196,671, C>T on the plus strand (G>A on the coding strand, the complement: COL1A1 is on the minus strand). VCF-style: chr17-50196671-C-T. GRCh37 (hg19) VCF-style: chr17-48274032-C-T.
Identifiers: ClinVar variation 800488 (VCV000800488.4), dbSNP rs1598298699, ClinGen allele CA400222719.

ClinVar aggregate classification (germline): Pathogenic/Likely pathogenic. Review status: criteria provided, multiple submitters, no conflicts (2 of 4 stars). 3 submissions from 3 submitters: Pathogenic (1); Likely pathogenic (1). 1 of the submissions does not count toward it. Last evaluated 2026-04-07.

Conditions:
Osteogenesis imperfecta type I (OI1). Also called: Lobstein disease; Classic Non-deforming Osteogenesis Imperfecta with Blue Sclerae; OI, TYPE I; OSTEOGENESIS IMPERFECTA TARDA; OSTEOGENESIS IMPERFECTA WITH BLUE SCLERAE; Osteogenesis imperfecta type 1. Identifiers: Orphanet 216796, Orphanet 666, MedGen C0023931, MONDO:0008146, OMIM 166200. Disease mechanism: loss of function.

Submissions (3):

Clinical Genetics and Genomics, Karolinska University Hospital
Classification: Likely pathogenic for Osteogenesis imperfecta type I. Last evaluated: 2026-04-07. Review status: criteria provided, single submitter. Criteria: ACMG Guidelines, 2015. Collection method: clinical testing. Allele origin: unknown. Affected: yes.
Comment: This sequence change affects a splice site of the COL1A1 gene. It is expected to disrupt RNA splicing. Variants that disrupt the donor or acceptor splice site typically lead to a loss of protein function (PMID: 16199547), and loss-of-function variants in COL1A1 are known to be pathogenic (PMID: 7942841, 9295084, 9443882). This variant is not present in population databases (gnomAD no frequency). Disruption of this splice site has been observed in individuals with osteogenesis imperfecta, type 1 (PMID: 16879195, 21520333).

Labcorp Genetics (formerly Invitae), Labcorp
Classification: Pathogenic for Osteogenesis imperfecta type I. Last evaluated: 2024-03-24. Review status: criteria provided, single submitter. Criteria: Invitae Variant Classification Sherloc (09022015). Collection method: clinical testing. Allele origin: germline.
Comment: This sequence change affects an acceptor splice site in intron 11 of the COL1A1 gene. It is expected to disrupt RNA splicing. Variants that disrupt the donor or acceptor splice site typically lead to a loss of protein function (PMID: 16199547), and loss-of-function variants in COL1A1 are known to be pathogenic (PMID: 7942841, 9295084, 9443882). This variant is not present in population databases (gnomAD no frequency). Disruption of this splice site has been observed in individuals with osteogenesis imperfecta (Invitae). ClinVar contains an entry for this variant (Variation ID: 800488). Algorithms developed to predict the effect of sequence changes on RNA splicing suggest that this variant may disrupt the consensus splice site. For these reasons, this variant has been classified as Pathogenic.

Institute of Human Genetics, Cologne University
Classification: Pathogenic for Osteogenesis imperfecta type I. Review status: no assertion criteria provided. Collection method: clinical testing. Allele origin: germline. Affected: yes. Observed: 1 heterozygote. Not counted in ClinVar's aggregate classification.

Literature cited by the submitters: PubMed 16199547 (cited by Labcorp Genetics (formerly Invitae), Labcorp); PubMed 7942841 (cited by Labcorp Genetics (formerly Invitae), Labcorp); PubMed 9295084 (cited by Labcorp Genetics (formerly Invitae), Labcorp); PubMed 9443882 (cited by Labcorp Genetics (formerly Invitae), Labcorp).